The following is an entry in ClinVar:

NM_004614.5(TK2):c.192G>A (p.Thr64=)

Gene: TK2 (thymidine kinase 2; minus strand). Cytogenetic location: 16q21.
Variant type: single nucleotide variant.
Coding change: c.192G>A on transcript NM_004614.5 (MANE Select); coding-DNA position 192, G replaced by A.
Protein change: p.Thr64=; no amino-acid change (threonine 64 retained).
Molecular consequence: synonymous variant. On other transcripts: 5 prime UTR variant (1), non-coding transcript variant (1), intron variant (1).
Genome position (GRCh38, 1-based): chr16:66,541,918, C>T on the plus strand (G>A on the coding strand, the complement: TK2 is on the minus strand). VCF-style: chr16-66541918-C-T. GRCh37 (hg19) VCF-style: chr16-66575821-C-T.
Other names: c.99G>A, p.Thr33= (NM_001172643.1, NM_001271935.1); c.192G>A, p.Thr64= (NM_001172645.2); c.45G>A, p.Thr15= (NM_001271934.2); c.-100G>A (NM_001272050.2); c.157-4901G>A (NM_001172644.2).
Identifiers: ClinVar variation 1554864 (VCV001554864.36), dbSNP rs373843440, ClinGen allele CA8093770.

ClinVar aggregate classification (germline): Likely benign. Review status: criteria provided, multiple submitters, no conflicts (2 of 4 stars). 3 submissions from 3 submitters: Likely benign (3). Last evaluated 2026-01-11.

Allele frequency attached by ClinVar (database versions not stated): 1000 Genomes Project 30x 0.00016; 1000 Genomes Project 0.00020.
gnomAD v4.1: 55 of 1,614,092 alleles (0.0034%); highest among the groups gnomAD compares: East Asian, 0.029%; no homozygotes.

Submissions (3):

Labcorp Genetics (formerly Invitae), Labcorp
Classification: Likely benign. Last evaluated: 2026-01-11. Review status: criteria provided, single submitter. Criteria: Invitae Variant Classification Sherloc (09022015). Collection method: clinical testing. Allele origin: germline.

CeGaT Center for Human Genetics Tuebingen
Classification: Likely benign. Last evaluated: 2023-01-01. Review status: criteria provided, single submitter. Criteria: CeGaT Center For Human Genetics Tuebingen Variant Classification Criteria Version 2. Collection method: clinical testing. Allele origin: germline. Affected: yes. Observed: 1 variant allele.
Comment: TK2: BP4, BP7

Blueprint Genetics
Classification: Likely benign. Last evaluated: 2022-08-31. Review status: criteria provided, single submitter. Criteria: ACMG Guidelines, 2015. Collection method: clinical testing. Allele origin: germline.